The following is an entry in ClinVar:

NM_000326.5(RLBP1):c.670G>C (p.Val224Leu)

Gene: RLBP1 (retinaldehyde binding protein 1; minus strand). Cytogenetic location: 15q26.1.
Variant type: single nucleotide variant.
Coding change: c.670G>C on transcript NM_000326.5 (MANE Select); coding-DNA position 670, G replaced by C.
Protein change: p.Val224Leu; replaces valine 224 with leucine.
Molecular consequence: missense variant.
Genome position (GRCh38, 1-based): chr15:89,211,757, C>G on the plus strand (G>C on the coding strand, the complement: RLBP1 is on the minus strand). VCF-style: chr15-89211757-C-G. GRCh37 (hg19) VCF-style: chr15-89754988-C-G.
Other names: short protein forms V224L.
Identifiers: ClinVar variation 1998132 (VCV001998132.4), dbSNP rs2505857030, ClinGen allele CA393728992.

ClinVar aggregate classification (germline): Uncertain significance (1 of 4 stars; one submission).

Submission:

Labcorp Genetics (formerly Invitae), Labcorp
Classification: Uncertain significance. Last evaluated: 2024-10-25. Review status: criteria provided, single submitter. Criteria: Invitae Variant Classification Sherloc (09022015). Collection method: clinical testing. Allele origin: germline.
Comment: This sequence change replaces valine, which is neutral and non-polar, with leucine, which is neutral and non-polar, at codon 224 of the RLBP1 protein (p.Val224Leu). This variant is not present in population databases (gnomAD no frequency). This variant has not been reported in the literature in individuals affected with RLBP1-related conditions. ClinVar contains an entry for this variant (Variation ID: 1998132). Invitae Evidence Modeling of protein sequence and biophysical properties (such as structural, functional, and spatial information, amino acid conservation, physicochemical variation, residue mobility, and thermodynamic stability) has been performed for this missense variant. However, the output from this modeling did not meet the statistical confidence thresholds required to predict the impact of this variant on RLBP1 protein function. In summary, the available evidence is currently insufficient to determine the role of this variant in disease. Therefore, it has been classified as a Variant of Uncertain Significance.